The following is an entry in ClinVar:

NM_005475.3(SH2B3):c.1523G>C (p.Arg508Pro)

Gene: SH2B3 (SH2B adaptor protein 3; plus strand). Cytogenetic location: 12q24.12.
Variant type: single nucleotide variant.
Coding change: c.1523G>C on transcript NM_005475.3 (MANE Select); coding-DNA position 1523, G replaced by C.
Protein change: p.Arg508Pro; replaces arginine 508 with proline.
Molecular consequence: missense variant.
Genome position (GRCh38, 1-based): chr12:111,448,097, G>C. VCF-style: chr12-111448097-G-C. GRCh37 (hg19) VCF-style: chr12-111885901-G-C.
Other names: c.917G>C, p.Arg306Pro (NM_001291424.1); short protein forms R306P, R508P.
Identifiers: ClinVar variation 5029496 (VCV005029496.1).

ClinVar aggregate classification (germline): Uncertain significance (1 of 4 stars; one submission).

Conditions:
Inborn genetic diseases. Identifiers: MedGen C0950123, MeSH D030342.

Submission:

Ambry Genetics
Classification: Uncertain significance for Inborn genetic diseases. Last evaluated: 2026-08-08. Review status: criteria provided, single submitter. Criteria: Ambry Variant Classification Scheme 2023. Collection method: clinical testing. Allele origin: germline.
Comment: The p.R508P variant (also known as c.1523G>C), located in coding exon 7 of the SH2B3 gene, results from a G to C substitution at nucleotide position 1523. The arginine at codon 508 is replaced by proline, an amino acid with dissimilar properties. This amino acid position is conserved. In addition, this alteration is predicted to be tolerated by in silico analysis. Based on the available evidence, the clinical significance of this variant remains unclear.